The following is an entry in ClinVar:

ClinVar aggregate classification (germline): Uncertain significance (1 of 4 stars; one submission).

Allele frequency attached by ClinVar (database versions not stated): gnomAD exomes below 0.00001; gnomAD 0.00001.
gnomAD v4.1: 6 of 1,614,068 alleles (0.00037%); highest among the groups gnomAD compares: South Asian, 0.0011%; no homozygotes.

Submission:

Labcorp Genetics (formerly Invitae), Labcorp
Classification: Uncertain significance. Last evaluated: 2020-08-25. Review status: criteria provided, single submitter. Criteria: Invitae Variant Classification Sherloc (09022015). Collection method: clinical testing. Allele origin: germline.
Comment: Algorithms developed to predict the effect of missense changes on protein structure and function output the following: SIFT: "Not Available"; PolyPhen-2: "Benign"; Align-GVGD: "Not Available". The serine amino acid residue is found in multiple mammalian species, suggesting that this missense change does not adversely affect protein function. These predictions have not been confirmed by published functional studies and their clinical significance is uncertain. This variant has not been reported in the literature in individuals with ADAMTS18-related conditions. This variant is not present in population databases (ExAC no frequency). This sequence change replaces asparagine with serine at codon 1122 of the ADAMTS18 protein (p.Asn1122Ser). The asparagine residue is weakly conserved and there is a small physicochemical difference between asparagine and serine. In summary, the available evidence is currently insufficient to determine the role of this variant in disease. Therefore, it has been classified as a Variant of Uncertain Significance.

NM_199355.4(ADAMTS18):c.3365A>G (p.Asn1122Ser)

Gene: ADAMTS18 (ADAM metallopeptidase with thrombospondin type 1 motif 18; minus strand). Cytogenetic location: 16q23.1.
Variant type: single nucleotide variant.
Coding change: c.3365A>G on transcript NM_199355.4 (MANE Select); coding-DNA position 3365, A replaced by G.
Protein change: p.Asn1122Ser; replaces asparagine 1122 with serine.
Molecular consequence: missense variant.
Genome position (GRCh38, 1-based): chr16:77,291,303, T>C on the plus strand (A>G on the coding strand, the complement: ADAMTS18 is on the minus strand). VCF-style: chr16-77291303-T-C. GRCh37 (hg19) VCF-style: chr16-77325200-T-C.
Other names: c.2849A>G, p.Asn950Ser (NM_001326358.2); short protein forms N1122S, N950S.
Identifiers: ClinVar variation 1011056 (VCV001011056.5), dbSNP rs2055358503, ClinGen allele CA396831707.
Genomic context (GRCh38, chr16:77,291,303, plus strand): 5'-CTCCTCAATCGGCCTGTACCCACCTGCTGCCACGGCAATGAATACCATCCAGCTACCATG[T>C]TGTACACTGGATGGGCTGGGCAAGCCCGTCGGTTGCAGGTCTCTTCCAAGTCCAGATTTG-3'
Protein context (NP_955387.1, residues 1112-1132): RRACPAHPVY[Asn1122Ser]MVAGWYSLPW